The following is an entry in ClinVar:

ClinVar aggregate classification (germline): Uncertain significance (1 of 4 stars; one submission).

Conditions:
Cataract 38. Also called: Cataract, autosomal recessive congenital 5; Cataract 38, autosomal recessive. Identifiers: Orphanet 91492, MedGen C3553494, MONDO:0013859, OMIM 614691.
Sengers syndrome. Also called: MITOCHONDRIAL DNA DEPLETION SYNDROME 10 (CARDIOMYOPATHIC TYPE); Cardiomyopathy and cataract. Identifiers: Orphanet 1369, MedGen C1859317, MONDO:0008922, OMIM 212350.

Allele frequency attached by ClinVar (database versions not stated): gnomAD exomes below 0.00001.
gnomAD v4.1: 4 of 1,613,634 alleles (0.00025%); highest among the groups gnomAD compares: Admixed American, 0.0017%; no homozygotes.

Submission:

Labcorp Genetics (formerly Invitae), Labcorp
Classification: Uncertain significance for Sengers syndrome; Cataract 38. Last evaluated: 2022-04-29. Review status: criteria provided, single submitter. Criteria: Invitae Variant Classification Sherloc (09022015). Collection method: clinical testing. Allele origin: germline.
Comment: In summary, the available evidence is currently insufficient to determine the role of this variant in disease. Therefore, it has been classified as a Variant of Uncertain Significance. Algorithms developed to predict the effect of missense changes on protein structure and function are either unavailable or do not agree on the potential impact of this missense change (SIFT: "Tolerated"; PolyPhen-2: "Probably Damaging"; Align-GVGD: "Class C0"). This variant has not been reported in the literature in individuals affected with AGK-related conditions. This variant is present in population databases (no rsID available, gnomAD 0.003%). This sequence change replaces isoleucine, which is neutral and non-polar, with threonine, which is neutral and polar, at codon 385 of the AGK protein (p.Ile385Thr).

NM_018238.4(AGK):c.1154T>C (p.Ile385Thr)

Gene: AGK (acylglycerol kinase; plus strand). Cytogenetic location: 7q34.
Variant type: single nucleotide variant.
Coding change: c.1154T>C on transcript NM_018238.4 (MANE Select); coding-DNA position 1154, T replaced by C.
Protein change: p.Ile385Thr; replaces isoleucine 385 with threonine.
Molecular consequence: missense variant.
Genome position (GRCh38, 1-based): chr7:141,652,809, T>C. VCF-style: chr7-141652809-T-C. GRCh37 (hg19) VCF-style: chr7-141352609-T-C.
Other names: short protein forms I385T.
Identifiers: ClinVar variation 1964911 (VCV001964911.5), dbSNP rs1189870798, ClinGen allele CA369542896.